The following is an entry in ClinVar:

NM_020937.4(FANCM):c.5960C>T (p.Ala1987Val)

Gene: FANCM (FA complementation group M; plus strand). Cytogenetic location: 14q21.2.
Variant type: single nucleotide variant.
Coding change: c.5960C>T on transcript NM_020937.4 (MANE Select); coding-DNA position 5960, C replaced by T.
Protein change: p.Ala1987Val; replaces alanine 1987 with valine.
Molecular consequence: missense variant.
Genome position (GRCh38, 1-based): chr14:45,198,887, C>T. VCF-style: chr14-45198887-C-T. GRCh37 (hg19) VCF-style: chr14-45668090-C-T.
Other names: c.5882C>T, p.Ala1961Val (NM_001308133.2); short protein forms A1961V, A1987V.
Identifiers: ClinVar variation 4254564 (VCV004254564.1).

ClinVar aggregate classification (germline): Uncertain significance (1 of 4 stars; one submission).

Conditions:
Inborn genetic diseases. Identifiers: MedGen C0950123, MeSH D030342.

Submission:

Ambry Genetics
Classification: Uncertain significance for Inborn genetic diseases. Last evaluated: 2025-07-02. Review status: criteria provided, single submitter. Criteria: Ambry Variant Classification Scheme 2023. Collection method: clinical testing. Allele origin: germline.
Comment: The p.A1987V variant (also known as c.5960C>T), located in coding exon 22 of the FANCM gene, results from a C to T substitution at nucleotide position 5960. The alanine at codon 1987 is replaced by valine, an amino acid with similar properties. This amino acid position is conserved. In addition, this alteration is predicted to be tolerated by in silico analysis. Based on the available evidence, the clinical significance of this variant remains unclear.